The following is an entry in ClinVar:

NM_001374736.1(DST):c.16306A>T (p.Met5436Leu)

Gene: DST (dystonin; minus strand). Cytogenetic location: 6p12.1.
Variant type: single nucleotide variant.
Coding change: c.16306A>T on transcript NM_001374736.1 (MANE Select); coding-DNA position 16306, A replaced by T.
Protein change: p.Met5436Leu; replaces methionine 5436 with leucine.
Molecular consequence: missense variant.
Genome position (GRCh38, 1-based): chr6:56,552,486, T>A on the plus strand (A>T on the coding strand, the complement: DST is on the minus strand). VCF-style: chr6-56552486-T-A. GRCh37 (hg19) VCF-style: chr6-56417284-T-A.
Other names: c.9949A>T, p.Met3317Leu (NM_001144769.5); c.9535A>T, p.Met3179Leu (NM_001144770.2); c.16306A>T, p.Met5436Leu (NM_001374722.1); c.15673A>T, p.Met5225Leu (NM_001374729.1); c.9415A>T, p.Met3139Leu (NM_001374730.1, NM_001386100.1, NM_183380.4); c.16333A>T, p.Met5445Leu (NM_001374734.1); c.8437A>T, p.Met2813Leu (NM_015548.5); short protein forms M2813L, M3139L, M3179L, M3317L, M5225L, M5436L, M5445L.
Identifiers: ClinVar variation 1054731 (VCV001054731.7), dbSNP rs752459155, ClinGen allele CA3867699.

ClinVar aggregate classification (germline): Uncertain significance (1 of 4 stars; one submission).

Conditions:
Epidermolysis bullosa simplex 3, localized or generalized intermediate, with BP230 deficiency (EBS3). Also called: Epidermolysis bullosa simplex due to BP230 deficiency; Epidermolysis bullosa simplex, autosomal recessive 2. Identifiers: Orphanet 412181, MedGen C3809470, MONDO:0014180, OMIM 615425.
Hereditary sensory and autonomic neuropathy type 6. Also called: HSAN VI; Neuropathy, hereditary sensory and autonomic, type VI. Identifiers: Orphanet 314381, MedGen C3539003, MONDO:0013839, OMIM 614653.

Allele frequency attached by ClinVar (database versions not stated): gnomAD exomes 0.00001; ExAC 0.00002.
gnomAD v4.1: 14 of 1,614,006 alleles (0.00087%); highest among the groups gnomAD compares: Non-Finnish European, 0.001%; no homozygotes.

Submission:

Labcorp Genetics (formerly Invitae), Labcorp
Classification: Uncertain significance for Epidermolysis bullosa simplex 3, localized or generalized intermediate, with BP230 deficiency; Hereditary sensory and autonomic neuropathy type 6. Last evaluated: 2023-08-17. Review status: criteria provided, single submitter. Criteria: Invitae Variant Classification Sherloc (09022015). Collection method: clinical testing. Allele origin: germline.
Comment: The DST gene has multiple clinically relevant transcripts. This variant occurs in alternate transcript NM_015548.4, and corresponds to NM_001723.5:c.*63031A>T in the primary transcript. This sequence change replaces methionine, which is neutral and non-polar, with leucine, which is neutral and non-polar, at codon 2813 of the DST protein (p.Met2813Leu). This variant is present in population databases (rs752459155, gnomAD 0.003%). This variant has not been reported in the literature in individuals affected with DST-related conditions. Experimental studies and prediction algorithms are not available or were not evaluated, and the functional significance of this variant is currently unknown. In summary, the available evidence is currently insufficient to determine the role of this variant in disease. Therefore, it has been classified as a Variant of Uncertain Significance.